The following is an entry in ClinVar:

NM_052867.4(NALCN):c.3508G>T (p.Val1170Phe)

Gene: NALCN (sodium leak channel, non-selective; minus strand). Cytogenetic location: 13q32.3.
Variant type: single nucleotide variant.
Coding change: c.3508G>T on transcript NM_052867.4 (MANE Select); coding-DNA position 3508, G replaced by T.
Protein change: p.Val1170Phe; replaces valine 1170 with phenylalanine.
Molecular consequence: missense variant.
Genome position (GRCh38, 1-based): chr13:101,083,786, C>A on the plus strand (G>T on the coding strand, the complement: NALCN is on the minus strand). VCF-style: chr13-101083786-C-A. GRCh37 (hg19) VCF-style: chr13-101736137-C-A.
Other names: c.3595G>T, p.Val1199Phe (NM_001350748.2); c.3508G>T, p.Val1170Phe (NM_001350749.2); c.3421G>T, p.Val1141Phe (NM_001350750.2, NM_001350751.2); short protein forms V1141F, V1170F, V1199F.
Identifiers: ClinVar variation 3368349 (VCV003368349.1).

ClinVar aggregate classification (germline): Uncertain significance (1 of 4 stars; one submission).

Submission:

GeneDx
Classification: Uncertain significance. Last evaluated: 2024-01-24. Review status: criteria provided, single submitter. Criteria: GeneDx Variant Classification Process June 2021. Collection method: clinical testing. Allele origin: germline. Affected: yes.
Comment: Not observed at significant frequency in large population cohorts (gnomAD); In silico analysis supports that this missense variant has a deleterious effect on protein structure/function; Has not been previously published as pathogenic or benign to our knowledge